The following is an entry in ClinVar:

ClinVar aggregate classification (germline): Uncertain significance (1 of 4 stars; one submission).

gnomAD v4.1: 1 of 1,614,192 alleles (0.000062%); highest among the groups gnomAD compares: Non-Finnish European, 0.000085%; no homozygotes.

Submission:

Labcorp Genetics (formerly Invitae), Labcorp
Classification: Uncertain significance. Last evaluated: 2025-07-02. Review status: criteria provided, single submitter. Criteria: Invitae Variant Classification Sherloc (09022015). Collection method: clinical testing. Allele origin: germline.
Comment: This sequence change replaces proline, which is neutral and non-polar, with leucine, which is neutral and non-polar, at codon 376 of the SERPING1 protein (p.Pro376Leu). This variant is not present in population databases (gnomAD no frequency). This variant has not been reported in the literature in individuals affected with SERPING1-related conditions. Invitae Evidence Modeling of protein sequence and biophysical properties (such as structural, functional, and spatial information, amino acid conservation, physicochemical variation, residue mobility, and thermodynamic stability) has been performed for this missense variant. However, the output from this modeling did not meet the statistical confidence thresholds required to predict the impact of this variant on SERPING1 protein function. In summary, the available evidence is currently insufficient to determine the role of this variant in disease. Therefore, it has been classified as a Variant of Uncertain Significance.

NM_000062.3(SERPING1):c.1127C>T (p.Pro376Leu)

Gene: SERPING1 (serpin family G member 1; plus strand). Cytogenetic location: 11q12.1.
Variant type: single nucleotide variant.
Coding change: c.1127C>T on transcript NM_000062.3 (MANE Select); coding-DNA position 1127, C replaced by T.
Protein change: p.Pro376Leu; replaces proline 376 with leucine.
Molecular consequence: missense variant.
Genome position (GRCh38, 1-based): chr11:57,611,814, C>T. VCF-style: chr11-57611814-C-T. GRCh37 (hg19) VCF-style: chr11-57379287-C-T.
Other names: c.1127C>T, p.Pro376Leu (NM_001032295.2); short protein forms P376L.
Identifiers: ClinVar variation 4764927 (VCV004764927.1).